The following is an entry in ClinVar:

ClinVar aggregate classification (germline): Likely pathogenic. Review status: criteria provided, single submitter (1 of 4 stars). 2 submissions from 2 submitters: Likely pathogenic (1). 1 of the submissions does not count toward it. Last evaluated 2026-03-31.

Conditions:
KRT1-related disorder. Also called: KRT1-related condition.
Epidermolytic ichthyosis. Also called: Bullous ichthyosiform erythroderma; Epidermolytic Hyperkeratosis; Congenital bullous ichthyosiform erythroderma; KRT10-Related Epidermolytic Hyperkeratosis. Identifiers: Orphanet 312, MedGen C0079153, MONDO:0007239, HP:0007475.

Submissions (2):

PreventionGenetics, part of Exact Sciences
Classification: Likely pathogenic for KRT1-related condition. Last evaluated: 2026-03-31. Review status: criteria provided, single submitter. Criteria: ACMG Guidelines, 2015. Collection method: clinical testing. Allele origin: germline.
Comment: The KRT1 c.1424T>C variant is predicted to result in the amino acid substitution p.Leu475Pro. This variant has been reported in individuals with epidermolytic ichthyosis or hyperkeratosis (Lee et al. 2002. PubMed ID: 12406348; Bygum et al. 2013. PubMed ID: 22930352). De novo missense KRT1 variants have been reported in individuals with epidermolytic palmoplantar keratoderma or epidermolytic ichthyosis (see, for example, Ge et al. 2023. PubMed ID: 37566479; Calì et al. 2020. PubMed ID: 32898404; Serra et al. 2022. PubMed ID: 35964051). This variant has not been reported in a large population database (gnomAD), indicating this variant is rare. In summary, this variant is interpreted as likely pathogenic.

OMIM
Classification: Pathogenic for EPIDERMOLYTIC HYPERKERATOSIS 1. Last evaluated: 2002-10-01. Review status: no assertion criteria provided. Collection method: literature only. Allele origin: germline. Not counted in ClinVar's aggregate classification.

Literature cited by the submitters: PubMed 12406348 (cited by OMIM); PubMed 30288772 (cited by OMIM).

NM_006121.4(KRT1):c.1424T>C (p.Leu475Pro)

Gene: KRT1 (keratin 1; minus strand). Cytogenetic location: 12q13.13.
Variant type: single nucleotide variant.
Coding change: c.1424T>C on transcript NM_006121.4 (MANE Select); coding-DNA position 1424, T replaced by C.
Protein change: p.Leu475Pro; replaces leucine 475 with proline.
Molecular consequence: missense variant.
Genome position (GRCh38, 1-based): chr12:52,676,326, A>G on the plus strand (T>C on the coding strand, the complement: KRT1 is on the minus strand). VCF-style: chr12-52676326-A-G. GRCh37 (hg19) VCF-style: chr12-53070110-A-G.
Other names: c.1424T>C (NM_006121.3); short protein forms L475P.
Identifiers: ClinVar variation 15915 (VCV000015915.7), dbSNP rs137853225, ClinGen allele CA126050.